The following is an entry in ClinVar:

NM_000051.4(ATM):c.663-5C>T

Gene: ATM (ATM serine/threonine kinase; plus strand). Cytogenetic location: 11q22.3.
Variant type: single nucleotide variant.
Coding change: c.663-5C>T on transcript NM_000051.4 (MANE Select); 5 bases into the intron before coding-DNA position 663, C replaced by T.
Molecular consequence: intron variant.
Genome position (GRCh38, 1-based): chr11:108,244,783, C>T. VCF-style: chr11-108244783-C-T. GRCh37 (hg19) VCF-style: chr11-108115510-C-T.
Other names: c.663-5C>T (NM_001351834.2).
Identifiers: ClinVar variation 826522 (VCV000826522.7), dbSNP rs1591503207, ClinGen allele CA915947721.
Genomic context (GRCh38, chr11:108,244,783, plus strand): 5'-ACTGTTCAGTTTGTACAGTTTGTTCCCCCTGTTATACCCAGTTGAGCTTGTTTGTTTCTT[C>T]ACAGACAAGAAAAGAGCTCTTCAGGTCTAAATCATATCTTAGCAGCTCTTACTATCTTCC-3'

ClinVar aggregate classification (germline): Conflicting classifications of pathogenicity. Review status: criteria provided, conflicting classifications (1 of 4 stars). 3 submissions from 3 submitters: Uncertain significance (1); Likely benign (1). 1 of the submissions does not count toward it. Last evaluated 2025-12-03.

Conditions:
Familial cancer of breast. Also called: hereditary breast carcinoma; BREAST CANCER, FAMILIAL; Hereditary breast cancer. Identifiers: Orphanet 227535, MedGen C0346153, MONDO:0016419, OMIM 114480. Disease mechanism: loss of function.
Hereditary cancer-predisposing syndrome. Also called: Neoplastic Syndromes, Hereditary; Hereditary Cancer Syndrome; Hereditary neoplastic syndrome; Tumor predisposition. Identifiers: Orphanet 140162, MedGen C0027672, MeSH D009386, MONDO:0015356.
Ataxia-telangiectasia syndrome (AT). Also called: ATAXIA-TELANGIECTASIA, COMPLEMENTATION GROUP A; ATAXIA-TELANGIECTASIA, FRESNO VARIANT; Ataxia-telangiectasia, complementation group E; Ataxia telangiectasia (A-T); LOUIS-BAR SYNDROME; Cerebello-oculocutaneous telangiectasia. Identifiers: Orphanet 100, MedGen C0004135, MONDO:0008840, OMIM 208900.

Allele frequency attached by ClinVar (database versions not stated): gnomAD exomes below 0.00001.
gnomAD v4.1: 1 of 1,606,644 alleles (0.000062%); highest among the groups gnomAD compares: East Asian, 0.0022%; no homozygotes.

Submissions (3):

Ambry Genetics
Classification: Uncertain significance for Hereditary cancer-predisposing syndrome. Last evaluated: 2025-12-03. Review status: criteria provided, single submitter. Criteria: Ambry Variant Classification Scheme 2023. Collection method: clinical testing. Allele origin: germline.
Comment: The c.663-5C>T intronic variant results from a C to T substitution 5 nucleotides upstream from coding exon 6 in the ATM gene. This nucleotide position is not well conserved in available vertebrate species. In silico splice site analysis predicts that this alteration will not have any significant effect on splicing; however, direct evidence is insufficient at this time (Ambry internal data). Based on the available evidence, the clinical significance of this variant remains unclear.

Myriad Genetics, Inc.
Classification: Likely benign for Familial cancer of breast. Last evaluated: 2024-04-22. Review status: criteria provided, single submitter. Criteria: Myriad Autosomal Dominant, Autosomal Recessive and X-Linked Classification Criteria (2023). Collection method: clinical testing. Allele origin: unknown.
Comment: This variant is considered likely benign. This variant is intronic and is not expected to impact mRNA splicing.

Natera, Inc.
Classification: Uncertain significance for Ataxia-telangiectasia. Last evaluated: 2020-12-23. Review status: no assertion criteria provided. Collection method: clinical testing. Allele origin: germline. Not counted in ClinVar's aggregate classification.